The following is an entry in ClinVar:

NM_006017.3(PROM1):c.1710C>A (p.Tyr570Ter)

Gene: PROM1 (prominin 1; minus strand). Cytogenetic location: 4p15.32.
Variant type: single nucleotide variant.
Coding change: c.1710C>A on transcript NM_006017.3 (MANE Select); coding-DNA position 1710, C replaced by A.
Protein change: p.Tyr570Ter; replaces tyrosine 570 with a stop codon.
Molecular consequence: nonsense.
Genome position (GRCh38, 1-based): chr4:15,994,044, G>T on the plus strand (C>A on the coding strand, the complement: PROM1 is on the minus strand). VCF-style: chr4-15994044-G-T. GRCh37 (hg19) VCF-style: chr4-15995667-G-T.
Other names: c.1683C>A, p.Tyr561Ter (NM_001145847.2, NM_001145848.2, NM_001145851.2 and 4 more transcripts); c.1710C>A, p.Tyr570Ter (NM_001145849.2, NM_001145850.2); short protein forms Y570*, Y561*.
Identifiers: ClinVar variation 438213 (VCV000438213.9), dbSNP rs201644238, ClinGen allele CA2866667.
Genomic context (GRCh38, chr4:15,994,044, plus strand): 5'-TACCTCATTAATGTTGAGATGTTCACTGATATTGAAGCTGTTCTGCAGGTGAAGAGTGCC[G>T]TAAGTGCCTCTATTTTTTTTGCAGTCACTGTGGGAATGAACAGAGAAATTAGGACCTAGA-3'

ClinVar aggregate classification (germline): Pathogenic. Review status: criteria provided, single submitter (1 of 4 stars). 2 submissions from 2 submitters: Pathogenic (1). 1 of the submissions does not count toward it. Last evaluated 2022-06-20.

Conditions:
Retinitis pigmentosa (RP). Identifiers: Orphanet 791, MedGen C0035334, MeSH D012174, MONDO:0019200, OMIM 268000. Inheritance: Autosomal dominant, autosomal recessive and X linked inheritance.

gnomAD v4.1: 2 of 1,613,878 alleles (0.00012%); highest among the groups gnomAD compares: South Asian, 0.0022%; no homozygotes.

Submissions (2):

Labcorp Genetics (formerly Invitae), Labcorp
Classification: Pathogenic. Last evaluated: 2022-06-20. Review status: criteria provided, single submitter. Criteria: Invitae Variant Classification Sherloc (09022015). Collection method: clinical testing. Allele origin: germline.
Comment: For these reasons, this variant has been classified as Pathogenic. ClinVar contains an entry for this variant (Variation ID: 438213). This premature translational stop signal has been observed in individual(s) with retinitis pigmentosa (PMID: 28041643, 32581362). The frequency data for this variant in the population databases is considered unreliable, as metrics indicate poor data quality at this position in the gnomAD database. This sequence change creates a premature translational stop signal (p.Tyr570*) in the PROM1 gene. It is expected to result in an absent or disrupted protein product. Loss-of-function variants in PROM1 are known to be pathogenic (PMID: 17605048, 19718270, 24154662, 25474345).

NIHR Bioresource Rare Diseases, University of Cambridge
Classification: Likely pathogenic for Retinitis pigmentosa. Last evaluated: 2015-01-01. Review status: no assertion criteria provided. Collection method: research. Allele origin: unknown. Affected: yes. Observed: 1 variant allele. Not counted in ClinVar's aggregate classification.

Literature cited by the submitters: PubMed 28041643 (cited by Labcorp Genetics (formerly Invitae), Labcorp and NIHR Bioresource Rare Diseases, University of Cambridge); PubMed 32581362 (cited by Labcorp Genetics (formerly Invitae), Labcorp); PubMed 17605048 (cited by Labcorp Genetics (formerly Invitae), Labcorp); PubMed 19718270 (cited by Labcorp Genetics (formerly Invitae), Labcorp); PubMed 24154662 (cited by Labcorp Genetics (formerly Invitae), Labcorp); PubMed 25474345 (cited by Labcorp Genetics (formerly Invitae), Labcorp).